The following is an entry in ClinVar:

NM_024675.4(PALB2):c.1499C>T (p.Ser500Phe)

Gene: PALB2 (partner and localizer of BRCA2; minus strand). Cytogenetic location: 16p12.2.
Variant type: single nucleotide variant.
Coding change: c.1499C>T on transcript NM_024675.4 (MANE Select); coding-DNA position 1499, C replaced by T.
Protein change: p.Ser500Phe; replaces serine 500 with phenylalanine.
Molecular consequence: missense variant.
Genome position (GRCh38, 1-based): chr16:23,635,047, G>A on the plus strand (C>T on the coding strand, the complement: PALB2 is on the minus strand). VCF-style: chr16-23635047-G-A. GRCh37 (hg19) VCF-style: chr16-23646368-G-A.
Other names: short protein forms S500F.
Identifiers: ClinVar variation 848642 (VCV000848642.10), dbSNP rs1966961724, ClinGen allele CA395131058.

ClinVar aggregate classification (germline): Uncertain significance (1 of 4 stars; one submission).

Conditions:
Familial cancer of breast. Also called: BREAST CANCER, FAMILIAL; Hereditary breast cancer; hereditary breast carcinoma. Identifiers: Orphanet 227535, MedGen C0346153, MONDO:0016419, OMIM 114480. Disease mechanism: loss of function.

Submission:

Labcorp Genetics (formerly Invitae), Labcorp
Classification: Uncertain significance for Familial cancer of breast. Last evaluated: 2019-02-27. Review status: criteria provided, single submitter. Criteria: Invitae Variant Classification Sherloc (09022015). Collection method: clinical testing. Allele origin: germline.
Comment: In summary, the available evidence is currently insufficient to determine the role of this variant in disease. Therefore, it has been classified as a Variant of Uncertain Significance. Algorithms developed to predict the effect of missense changes on protein structure and function output the following: SIFT: "Deleterious"; PolyPhen-2: "Benign"; Align-GVGD: "Class C0". The phenylalanine amino acid residue is found in multiple mammalian species, suggesting that this missense change does not adversely affect protein function. These predictions have not been confirmed by published functional studies and their clinical significance is uncertain. This variant has not been reported in the literature in individuals with PALB2-related conditions. This variant is not present in population databases (ExAC no frequency). This sequence change replaces serine with phenylalanine at codon 500 of the PALB2 protein (p.Ser500Phe). The serine residue is moderately conserved and there is a large physicochemical difference between serine and phenylalanine.